The following is an entry in ClinVar:

NM_014363.6(SACS):c.8727G>A (p.Trp2909Ter)

Gene: SACS (sacsin molecular chaperone; minus strand). Cytogenetic location: 13q12.12.
Variant type: single nucleotide variant.
Coding change: c.8727G>A on transcript NM_014363.6 (MANE Select); coding-DNA position 8727, G replaced by A.
Protein change: p.Trp2909Ter; replaces tryptophan 2909 with a stop codon.
Molecular consequence: nonsense.
Genome position (GRCh38, 1-based): chr13:23,335,149, C>T on the plus strand (G>A on the coding strand, the complement: SACS is on the minus strand). VCF-style: chr13-23335149-C-T. GRCh37 (hg19) VCF-style: chr13-23909288-C-T.
Other names: c.8286G>A, p.Trp2762Ter (NM_001278055.2); short protein forms W2909*, W2762*.
Identifiers: ClinVar variation 552152 (VCV000552152.9), dbSNP rs1555250949, ClinGen allele CA387515997.

ClinVar aggregate classification (germline): Pathogenic. Review status: criteria provided, single submitter (1 of 4 stars). 2 submissions from 2 submitters: Pathogenic (1). 1 of the submissions does not count toward it. Last evaluated 2021-04-14.

Conditions:
Spastic paraplegia. Identifiers: MedGen C0037772, HP:0001258.
Charlevoix-Saguenay spastic ataxia (SACS). Also called: SPASTIC ATAXIA 6, AUTOSOMAL RECESSIVE; Spastic ataxia of Charlevoix-Saguenay; AUTOSOMAL RECESSIVE SPASTIC ATAXIA OF CHARLEVOIX-SAGUENAY. Identifiers: Orphanet 98, MedGen C1849140, MONDO:0010041, OMIM 270550.

Allele frequency attached by ClinVar (database versions not stated): gnomAD exomes below 0.00001.
gnomAD v4.1: 1 of 1,613,890 alleles (0.000062%); highest among the groups gnomAD compares: South Asian, 0.0011%; no homozygotes.

Submissions (2):

Labcorp Genetics (formerly Invitae), Labcorp
Classification: Pathogenic for Spastic paraplegia. Last evaluated: 2021-04-14. Review status: criteria provided, single submitter. Criteria: Invitae Variant Classification Sherloc (09022015). Collection method: clinical testing. Allele origin: germline.
Comment: This sequence change creates a premature translational stop signal (p.Trp2909*) in the SACS gene. While this is not anticipated to result in nonsense mediated decay, it is expected to disrupt the last 1671 amino acid(s) of the SACS protein. For these reasons, this variant has been classified as Pathogenic. This variant disrupts the C-terminus of the SACS protein. Other variant(s) that disrupt this region (p.Tyr2922*) have been determined to be pathogenic (Invitae). This suggests that variants that disrupt this region of the protein are likely to be causative of disease. This variant has not been reported in the literature in individuals with SACS-related conditions. ClinVar contains an entry for this variant (Variation ID: 552152). This variant is not present in population databases (ExAC no frequency).

Counsyl
Classification: Likely pathogenic for Charlevoix-Saguenay spastic ataxia. Last evaluated: 2017-05-24. Review status: no assertion criteria provided. Collection method: clinical testing. Allele origin: unknown. Not counted in ClinVar's aggregate classification.